The following is an entry in ClinVar:

NM_178352.3(LCE1D):c.76G>A (p.Ala26Thr)

Gene: LCE1D (late cornified envelope 1D; plus strand). Cytogenetic location: 1q21.3.
Variant type: single nucleotide variant.
Coding change: c.76G>A on transcript NM_178352.3 (MANE Select); coding-DNA position 76, G replaced by A.
Protein change: p.Ala26Thr; replaces alanine 26 with threonine.
Molecular consequence: missense variant.
Genome position (GRCh38, 1-based): chr1:152,797,870, G>A. VCF-style: chr1-152797870-G-A. GRCh37 (hg19) VCF-style: chr1-152770346-G-A.
Other names: short protein forms A26T.
Identifiers: ClinVar variation 3537485 (VCV003537485.6).

ClinVar aggregate classification (germline): Likely benign. Review status: criteria provided, multiple submitters, no conflicts (2 of 4 stars). 2 submissions from 2 submitters: Likely benign (2). Last evaluated 2025-12-01.

gnomAD v4.1: 40 of 1,438,022 alleles (0.0028%); highest among the groups gnomAD compares: Non-Finnish European, 0.0039%; 12 homozygotes.

Submissions (2):

CeGaT Center for Human Genetics Tuebingen
Classification: Likely benign. Last evaluated: 2025-12-01. Review status: criteria provided, single submitter. Criteria: CeGaT Center For Human Genetics Tuebingen Variant Classification Criteria Version 2. Collection method: clinical testing. Allele origin: germline. Affected: yes. Observed: 1 variant allele.
Comment: LCE1D: BP4, BS2

Ambry Genetics
Classification: Likely benign. Last evaluated: 2024-11-13. Review status: criteria provided, single submitter. Criteria: Ambry Variant Classification Scheme 2023. Collection method: clinical testing. Allele origin: germline.